The following is an entry in ClinVar:

ClinVar aggregate classification (germline): Uncertain significance (1 of 4 stars; one submission).

Submission:

Labcorp Genetics (formerly Invitae), Labcorp
Classification: Uncertain significance. Last evaluated: 2021-11-18. Review status: criteria provided, single submitter. Criteria: Invitae Variant Classification Sherloc (09022015). Collection method: clinical testing. Allele origin: germline.
Comment: In summary, the available evidence is currently insufficient to determine the role of this variant in disease. Therefore, it has been classified as a Variant of Uncertain Significance. Algorithms developed to predict the effect of missense changes on protein structure and function are either unavailable or do not agree on the potential impact of this missense change (SIFT: "Tolerated"; PolyPhen-2: "Probably Damaging"; Align-GVGD: "Class C0"). This variant has not been reported in the literature in individuals affected with PLS3-related conditions. This variant is not present in population databases (gnomAD no frequency). This sequence change replaces isoleucine, which is neutral and non-polar, with valine, which is neutral and non-polar, at codon 183 of the PLS3 protein (p.Ile183Val).

NM_005032.7(PLS3):c.547A>G (p.Ile183Val)

Gene: PLS3 (plastin 3; plus strand). Cytogenetic location: Xq23.
Variant type: single nucleotide variant.
Coding change: c.547A>G on transcript NM_005032.7 (MANE Select); coding-DNA position 547, A replaced by G.
Protein change: p.Ile183Val; replaces isoleucine 183 with valine.
Molecular consequence: missense variant.
Genome position (GRCh38, 1-based): chrX:115,634,046, A>G. VCF-style: chrX-115634046-A-G. GRCh37 (hg19) VCF-style: chrX-114868358-A-G.
Other names: c.547A>G, p.Ile183Val (NM_001136025.5); c.466A>G, p.Ile156Val (NM_001172335.3); c.481A>G, p.Ile161Val (NM_001282337.2); c.412A>G, p.Ile138Val (NM_001282338.2); short protein forms I138V, I156V, I183V, I161V.
Identifiers: ClinVar variation 1437539 (VCV001437539.6), dbSNP rs2147549294, ClinGen allele CA414333765.